The following is an entry in ClinVar:

NM_198578.4(LRRK2):c.7138A>G (p.Thr2380Ala)

Gene: LRRK2 (leucine rich repeat kinase 2; plus strand). Cytogenetic location: 12q12.
Variant type: single nucleotide variant.
Coding change: c.7138A>G on transcript NM_198578.4 (MANE Select); coding-DNA position 7138, A replaced by G.
Protein change: p.Thr2380Ala; replaces threonine 2380 with alanine.
Molecular consequence: missense variant.
Genome position (GRCh38, 1-based): chr12:40,363,511, A>G. VCF-style: chr12-40363511-A-G. GRCh37 (hg19) VCF-style: chr12-40757313-A-G.
Other names: short protein forms T2380A.
Identifiers: ClinVar variation 3229773 (VCV003229773.1), dbSNP rs2500027565, ClinGen allele CA384413492.
Genomic context (GRCh38, chr12:40,363,511, plus strand): 5'-GACACTGCTCTCTATATTGCTAAGCAAAATAGCCCTGTTGTGGAAGTGTGGGATAAGAAA[A>G]CTGAAAAACTCTGTGGACTAATAGACTGCGTGCACTTTTTAAGGTAAATTCTGTGGTTTT-3'
Protein context (NP_940980.4, residues 2370-2390): SPVVEVWDKK[Thr2380Ala]EKLCGLIDCV

ClinVar aggregate classification (germline): Uncertain significance (1 of 4 stars; one submission).

Conditions:
Inborn genetic diseases. Identifiers: MedGen C0950123, MeSH D030342.

Allele frequency attached by ClinVar (database versions not stated): gnomAD exomes below 0.00001.
gnomAD v4.1: 1 of 1,612,058 alleles (0.000062%); highest among the groups gnomAD compares: Non-Finnish European, 0.000085%; no homozygotes.

Submission:

Ambry Genetics
Classification: Uncertain significance for Inborn genetic diseases. Last evaluated: 2024-02-28. Review status: criteria provided, single submitter. Criteria: Ambry Variant Classification Scheme 2023. Collection method: clinical testing. Allele origin: germline.
Comment: The p.T2380A variant (also known as c.7138A>G), located in coding exon 48 of the LRRK2 gene, results from an A to G substitution at nucleotide position 7138. The threonine at codon 2380 is replaced by alanine, an amino acid with similar properties. This amino acid position is conserved. In addition, this alteration is predicted to be tolerated by in silico analysis. Based on the available evidence, the clinical significance of this alteration remains unclear.